The following is an entry in ClinVar:

NM_001267550.2(TTN):c.67750del (p.Trp22584fs)

Genes: TTN-AS1 (TTN antisense RNA 1; plus strand), TTN (titin; minus strand), LOC126806423 (CDK7 strongly-dependent group 2 enhancer GRCh37_chr2:179443309-179444508; plus strand). Cytogenetic location: 2q31.2.
Variant type: Deletion.
Coding change: c.67750del on transcript NM_001267550.2 (MANE Select); coding-DNA position 67750, one base deleted (T; older notation c.67750delT).
Protein change: p.Trp22584fs; shifts the reading frame from tryptophan 22584.
Molecular consequence: frameshift variant.
Genome position (GRCh38, 1-based): chr2:178,579,280, A deleted on the plus strand (T on the coding strand, the reverse complement: TTN is on the minus strand). VCF-style (leftmost placement, unchanged base first): chr2-178579279-CA-C. GRCh37 (hg19) VCF-style: chr2-179444006-CA-C.
Other names: c.62827del, p.Trp20943fs (NM_001256850.1); c.40555del, p.Trp13519fs (NM_003319.4); c.60046del, p.Trp20016fs (NM_133378.4); c.40930del, p.Trp13644fs (NM_133432.3); c.41131del, p.Trp13711fs (NM_133437.4); short protein forms W22584fs, W20016fs, W13644fs, W20943fs, W13519fs, W13711fs.
Identifiers: ClinVar variation 1900708 (VCV001900708.5), dbSNP rs2468874597, ClinGen allele CA2580064636.

ClinVar aggregate classification (germline): Likely pathogenic (1 of 4 stars; one submission).

Conditions:
Dilated cardiomyopathy 1G (CMD1G). Identifiers: Orphanet 154, MedGen C1858763, MONDO:0011400, OMIM 604145.
Autosomal recessive limb-girdle muscular dystrophy type 2J (LGMDR10). Also called: Limb-girdle muscular dystrophy, type 2J; MUSCULAR DYSTROPHY, LIMB-GIRDLE, AUTOSOMAL RECESSIVE 10. Identifiers: Orphanet 140922, MedGen C1837342, MONDO:0012127, OMIM 608807.

Submission:

Labcorp Genetics (formerly Invitae), Labcorp
Classification: Likely pathogenic for Dilated cardiomyopathy 1G; Autosomal recessive limb-girdle muscular dystrophy type 2J. Last evaluated: 2022-03-19. Review status: criteria provided, single submitter. Criteria: Invitae Variant Classification Sherloc (09022015). Collection method: clinical testing. Allele origin: germline.
Comment: This variant has not been reported in the literature in individuals affected with TTN-related conditions. This sequence change creates a premature translational stop signal (p.Trp22584Glyfs*8) in the TTN gene. While this is not anticipated to result in nonsense mediated decay, it is expected to create a truncated TTN protein. This variant is not present in population databases (gnomAD no frequency). This variant is located in the A band of TTN (PMID: 25589632). Truncating variants in this region are significantly overrepresented in patients affected with dilated cardiomyopathy (PMID: 25589632). Truncating variants in this region have also been reported in individuals affected with autosomal recessive centronuclear myopathy (PMID: 23975875). In summary, the currently available evidence indicates that the variant is pathogenic, but additional data are needed to prove that conclusively. Therefore, this variant has been classified as Likely Pathogenic.

Literature cited by the submitters: PubMed 25589632; PubMed 23975875.